The following is an entry in ClinVar:

ClinVar aggregate classification (germline): Uncertain significance. Review status: criteria provided, multiple submitters, no conflicts (2 of 4 stars). 2 submissions from 2 submitters: Uncertain significance (2). Last evaluated 2025-05-19.

gnomAD v4.1: 10 of 1,613,876 alleles (0.00062%); highest among the groups gnomAD compares: East Asian, 0.0022%; no homozygotes.

Submissions (2):

GeneDx
Classification: Uncertain significance. Last evaluated: 2025-05-19. Review status: criteria provided, single submitter. Criteria: GeneDx Variant Classification Process June 2021. Collection method: clinical testing. Allele origin: germline. Affected: yes.
Comment: Not observed at significant frequency in large population cohorts (gnomAD); In silico analysis supports that this missense variant has a deleterious effect on protein structure/function; Has not been previously published as pathogenic or benign to our knowledge

Blueprint Genetics
Classification: Uncertain significance. Last evaluated: 2021-11-18. Review status: criteria provided, single submitter. Criteria: ACMG Guidelines, 2015. Collection method: clinical testing. Allele origin: germline.

NM_001199799.2(ILDR1):c.298C>T (p.Arg100Cys)

Gene: ILDR1 (immunoglobulin like domain containing receptor 1; minus strand). Cytogenetic location: 3q13.33.
Variant type: single nucleotide variant.
Coding change: c.298C>T on transcript NM_001199799.2 (MANE Select); coding-DNA position 298, C replaced by T.
Protein change: p.Arg100Cys; replaces arginine 100 with cysteine.
Molecular consequence: missense variant.
Genome position (GRCh38, 1-based): chr3:122,005,325, G>A on the plus strand (C>T on the coding strand, the complement: ILDR1 is on the minus strand). VCF-style: chr3-122005325-G-A. GRCh37 (hg19) VCF-style: chr3-121724172-G-A.
Other names: c.298C>T, p.Arg100Cys (NM_001199800.2, NM_175924.4); short protein forms R100C.
Identifiers: ClinVar variation 4530860 (VCV004530860.2).